The following is an entry in ClinVar:

ClinVar aggregate classification (germline): Uncertain significance. Review status: criteria provided, multiple submitters, no conflicts (2 of 4 stars). 4 submissions from 4 submitters: Uncertain significance (4). Last evaluated 2025-09-10.

Conditions:
Inborn genetic diseases. Identifiers: MedGen C0950123, MeSH D030342.

Allele frequency attached by ClinVar (database versions not stated): gnomAD 0.00023 and 0.00024; TOPMed 0.00023; 1000 Genomes Project 30x 0.00031; ESP Exome Variant Server 0.00038; 1000 Genomes Project 0.00040.
gnomAD v4.1: 111 of 1,613,906 alleles (0.0069%); highest among the groups gnomAD compares: African/African-American, 0.089%; 1 homozygote.

Submissions (4):

Ambry Genetics
Classification: Uncertain significance for Inborn genetic diseases. Last evaluated: 2025-09-10. Review status: criteria provided, single submitter. Criteria: Ambry Variant Classification Scheme 2023. Collection method: clinical testing. Allele origin: germline.

Blueprint Genetics
Classification: Uncertain significance. Last evaluated: 2024-09-18. Review status: criteria provided, single submitter. Criteria: ACMG Guidelines, 2015. Collection method: clinical testing. Allele origin: germline.

Women's Health and Genetics/Laboratory Corporation of America, LabCorp
Classification: Uncertain significance. Last evaluated: 2023-12-18. Review status: criteria provided, single submitter. Criteria: LabCorp Variant Classification Summary - May 2015. Collection method: clinical testing. Allele origin: germline.
Comment: Variant summary: COL9A1 c.1423G>A (p.Gly475Ser) results in a non-conservative amino acid change located in the Collagen triple helix repeat (IPR008160) of the encoded protein sequence. Five of five in-silico tools predict a damaging effect of the variant on protein function. The variant allele was found at a frequency of 0.00014 in 251304 control chromosomes (gnomAD). The available data on variant occurrences in the general population are insufficient to allow any conclusion about variant significance. To our knowledge, no occurrence of c.1423G>A in individuals affected with COL9A1-Related Disorders and no experimental evidence demonstrating its impact on protein function have been reported. One submitter has reported clinical-significance assessments for this variant to ClinVar after 2014 and has classified the variant as uncertain significance. Based on the evidence outlined above, the variant was classified as uncertain significance.

Labcorp Genetics (formerly Invitae), Labcorp
Classification: Uncertain significance. Last evaluated: 2022-10-04. Review status: criteria provided, single submitter. Criteria: Invitae Variant Classification Sherloc (09022015). Collection method: clinical testing. Allele origin: germline.
Comment: This sequence change replaces glycine, which is neutral and non-polar, with serine, which is neutral and polar, at codon 475 of the COL9A1 protein (p.Gly475Ser). This variant is present in population databases (rs143320197, gnomAD 0.08%). This variant has not been reported in the literature in individuals affected with COL9A1-related conditions. ClinVar contains an entry for this variant (Variation ID: 859791). Advanced modeling of protein sequence and biophysical properties (such as structural, functional, and spatial information, amino acid conservation, physicochemical variation, residue mobility, and thermodynamic stability) performed at Invitae indicates that this missense variant is expected to disrupt COL9A1 protein function. In summary, the available evidence is currently insufficient to determine the role of this variant in disease. Therefore, it has been classified as a Variant of Uncertain Significance.

NM_001851.6(COL9A1):c.1423G>A (p.Gly475Ser)

Gene: COL9A1 (collagen type IX alpha 1 chain; minus strand). Cytogenetic location: 6q13.
Variant type: single nucleotide variant.
Coding change: c.1423G>A on transcript NM_001851.6 (MANE Select); coding-DNA position 1423, G replaced by A.
Protein change: p.Gly475Ser; replaces glycine 475 with serine.
Molecular consequence: missense variant. On other transcripts: non-coding transcript variant (1).
Genome position (GRCh38, 1-based): chr6:70,260,683, C>T on the plus strand (G>A on the coding strand, the complement: COL9A1 is on the minus strand). VCF-style: chr6-70260683-C-T. GRCh37 (hg19) VCF-style: chr6-70970386-C-T.
Other names: c.694G>A, p.Gly232Ser (NM_001377289.1, NM_001377290.1, NM_078485.4); short protein forms G475S, G232S.
Identifiers: ClinVar variation 859791 (VCV000859791.8), dbSNP rs143320197, ClinGen allele CA3882220.
Genomic context (GRCh38, chr6:70,260,683, plus strand): 5'-TTTTGGTATTATATTATTGTCATCACCATCTTACTTTTTCCCCTTTGTCCCCAACTATGC[C>T]GGTGATGCCTCGCAAACCCTGGGCTCCCTGGAAATGTGAAAAAGAGAAGTGAATTATTTT-3'
Protein context (NP_001842.3, residues 465-485): PGAQGLRGIT[Gly475Ser]IVGDKGEKGA